The following is an entry in ClinVar:

ClinVar aggregate classification (germline): Likely pathogenic (1 of 4 stars; one submission).

Allele frequency attached by ClinVar (database versions not stated): gnomAD exomes below 0.00001 and 0.00001; ExAC 0.00001.
gnomAD v4.1: 1 of 1,211,808 alleles (0.000083%); highest among the groups gnomAD compares: African/African-American, 0.0017%; no homozygotes.

Submission:

GeneDx
Classification: Likely pathogenic. Last evaluated: 2015-12-17. Review status: criteria provided, single submitter. Criteria: GeneDx Variant Classification (06012015). Collection method: clinical testing. Allele origin: germline. Affected: yes.
Comment: The T734A variant in the KDM6A gene has not been reported previously as a pathogenic variant, nor as a benign variant, to our knowledge. The T734A variant was not observed in approximately 6500 individuals of European and African American ancestry in the NHLBI Exome Sequencing Project, indicating it is not a common benign variant in these populations. The T734A variant is a non-conservative amino acid substitution, which is likely to impact secondary protein structure as these residues differ in polarity, charge, size and/or other properties. This substitution occurs at a position that is not conserved. In silico analysis predicts this variant likely does not alter the protein structure/function. The T734A variant is a strong candidate for a pathogenic variant.

NM_001291415.2(KDM6A):c.2356A>G (p.Thr786Ala)

Gene: KDM6A (lysine demethylase 6A; plus strand). Cytogenetic location: Xp11.3.
Variant type: single nucleotide variant.
Coding change: c.2356A>G on transcript NM_001291415.2 (MANE Select); coding-DNA position 2356, A replaced by G.
Protein change: p.Thr786Ala; replaces threonine 786 with alanine.
Molecular consequence: missense variant. On other transcripts: non-coding transcript variant (1).
Genome position (GRCh38, 1-based): chrX:45,069,855, A>G. VCF-style: chrX-45069855-A-G. GRCh37 (hg19) VCF-style: chrX-44929100-A-G.
Other names: c.2221A>G, p.Thr741Ala (NM_001291416.2); c.2065A>G, p.Thr689Ala (NM_001291417.2); c.1963A>G, p.Thr655Ala (NM_001291418.2); c.1312A>G, p.Thr438Ala (NM_001291421.2); c.2200A>G, p.Thr734Ala (NM_021140.4); short protein forms T734A, T786A, T689A, T741A, T438A, T655A.
Identifiers: ClinVar variation 372828 (VCV000372828.1), dbSNP rs761551642, ClinGen allele CA10392500.
Genomic context (GRCh38, chrX:45,069,855, plus strand): 5'-TTAACCAAAGAGAGCAAGCCTTCAGGAAACATATTGACGGTGCCTGAAACAAGCAGGCAC[A>G]CTGGAGAGACACCTAACAGCACTGCCAGTGTCGAGGGACTTCCTAATCATGTCCATCAGA-3'
Protein context (NP_001278344.1, residues 776-796): ILTVPETSRH[Thr786Ala]GETPNSTASV